The following is an entry in ClinVar:

NM_012123.4(MTO1):c.1885C>T (p.Arg629Ter)

Gene: MTO1 (mitochondrial tRNA translation optimization 1; plus strand). Cytogenetic location: 6q13.
Variant type: single nucleotide variant.
Coding change: c.1885C>T on transcript NM_012123.4 (MANE Select); coding-DNA position 1885, C replaced by T.
Protein change: p.Arg629Ter; replaces arginine 629 with a stop codon.
Molecular consequence: nonsense.
Genome position (GRCh38, 1-based): chr6:73,497,864, C>T. VCF-style: chr6-73497864-C-T. GRCh37 (hg19) VCF-style: chr6-74207587-C-T.
Other names: c.2005C>T, p.Arg669Ter (NM_001123226.2); c.1960C>T, p.Arg654Ter (NM_133645.3); short protein forms R654*, R669*, R629*.
Identifiers: ClinVar variation 1365543 (VCV001365543.3), dbSNP rs752295415, ClinGen allele CA3889769.

ClinVar aggregate classification (germline): Uncertain significance (1 of 4 stars; one submission).

Conditions:
Mitochondrial hypertrophic cardiomyopathy with lactic acidosis due to MTO1 deficiency. Also called: CARDIOMYOPATHY, INFANTILE HYPERTROPHIC MITOCHONDRIAL, AND LACTIC ACIDOSIS; Combined oxidative phosphorylation deficiency 10. Identifiers: Orphanet 314637, MedGen C4749921, MONDO:0013865, OMIM 614702.

Allele frequency attached by ClinVar (database versions not stated): gnomAD exomes 0.00001; ExAC 0.00002.
gnomAD v4.1: 13 of 1,612,040 alleles (0.00081%); highest among the groups gnomAD compares: South Asian, 0.0011%; no homozygotes.

Submission:

Labcorp Genetics (formerly Invitae), Labcorp
Classification: Uncertain significance for Mitochondrial hypertrophic cardiomyopathy with lactic acidosis due to MTO1 deficiency. Last evaluated: 2021-11-03. Review status: criteria provided, single submitter. Criteria: Invitae Variant Classification Sherloc (09022015). Collection method: clinical testing. Allele origin: germline.
Comment: This sequence change creates a premature translational stop signal (p.Arg629*) in the MTO1 gene. While this is not anticipated to result in nonsense mediated decay, it is expected to disrupt the last 64 amino acid(s) of the MTO1 protein. This variant is present in population databases (rs752295415, gnomAD 0.003%). This variant has not been reported in the literature in individuals affected with MTO1-related conditions. Experimental studies and prediction algorithms are not available or were not evaluated, and the functional significance of this variant is currently unknown. In summary, the available evidence is currently insufficient to determine the role of this variant in disease. Therefore, it has been classified as a Variant of Uncertain Significance.